The following is an entry in ClinVar:

ClinVar aggregate classification (germline): Uncertain significance (1 of 4 stars; one submission).

gnomAD v4.1: 1 of 1,611,354 alleles (0.000062%); highest among the groups gnomAD compares: Non-Finnish European, 0.000085%; no homozygotes.

Submission:

Labcorp Genetics (formerly Invitae), Labcorp
Classification: Uncertain significance. Last evaluated: 2025-01-06. Review status: criteria provided, single submitter. Criteria: Invitae Variant Classification Sherloc (09022015). Collection method: clinical testing. Allele origin: germline.
Comment: This sequence change replaces aspartic acid, which is acidic and polar, with glutamic acid, which is acidic and polar, at codon 1444 of the VPS13A protein (p.Asp1444Glu). This variant is present in population databases (no rsID available, gnomAD 0.0009%). This variant has not been reported in the literature in individuals affected with VPS13A-related conditions. Invitae Evidence Modeling of protein sequence and biophysical properties (such as structural, functional, and spatial information, amino acid conservation, physicochemical variation, residue mobility, and thermodynamic stability) indicates that this missense variant is expected to disrupt VPS13A protein function with a positive predictive value of 80%. In summary, the available evidence is currently insufficient to determine the role of this variant in disease. Therefore, it has been classified as a Variant of Uncertain Significance.

NM_033305.3(VPS13A):c.4332T>A (p.Asp1444Glu)

Gene: VPS13A (vacuolar protein sorting 13 homolog A; plus strand). Cytogenetic location: 9q21.2.
Variant type: single nucleotide variant.
Coding change: c.4332T>A on transcript NM_033305.3 (MANE Select); coding-DNA position 4332, T replaced by A.
Protein change: p.Asp1444Glu; replaces aspartic acid 1444 with glutamic acid.
Molecular consequence: missense variant.
Genome position (GRCh38, 1-based): chr9:77,314,584, T>A. VCF-style: chr9-77314584-T-A. GRCh37 (hg19) VCF-style: chr9-79929500-T-A.
Other names: c.4215T>A, p.Asp1405Glu (NM_001018037.2); c.4332T>A, p.Asp1444Glu (NM_001018038.3, NM_015186.4); short protein forms D1444E, D1405E.
Identifiers: ClinVar variation 3708564 (VCV003708564.2).
Genomic context (GRCh38, chr9:77,314,584, plus strand): 5'-TCTGAAACTTGCTGAATTTAAATTGGAGAATATTATAAGTACTTTAAAAATGTATACAGA[T>A]GGCTCAACATTTTCTTCCTTCTCATTAAAAAACTGTATTTTAGATGATAAAAGACCTCAT-3'
Protein context (NP_150648.2, residues 1434-1454): NIISTLKMYT[Asp1444Glu]GSTFSSFSLK